The following is an entry in ClinVar:

NM_022455.5(NSD1):c.1513A>G (p.Asn505Asp)

Gene: NSD1 (nuclear receptor binding SET domain protein 1; plus strand). Cytogenetic location: 5q35.3.
Variant type: single nucleotide variant.
Coding change: c.1513A>G on transcript NM_022455.5 (MANE Select); coding-DNA position 1513, A replaced by G.
Protein change: p.Asn505Asp; replaces asparagine 505 with aspartic acid.
Molecular consequence: missense variant.
Genome position (GRCh38, 1-based): chr5:177,209,912, A>G. VCF-style: chr5-177209912-A-G. GRCh37 (hg19) VCF-style: chr5-176636913-A-G.
Other names: c.640A>G, p.Asn214Asp (NM_001409308.1, NM_001409309.1, NM_172349.5 and 3 more transcripts); c.1513A>G, p.Asn505Asp (NM_001409301.1, NM_001409302.1, NM_001409303.1); c.1093A>G, p.Asn365Asp (NM_001409304.1); c.760A>G, p.Asn254Asp (NM_001409305.1); short protein forms N214D, N505D, N254D, N365D.
Identifiers: ClinVar variation 3670200 (VCV003670200.2).
Genomic context (GRCh38, chr5:177,209,912, plus strand): 5'-CATTCTGCAGATGAGAAGGAAAAGCCTTGCGCTAAATCTCGAGCCAGAAAGAGCTCTGAT[A>G]ATCCAAAAAGGACTAGTGTGAAAAAGGGCCACATACAATTTGAAGCACATAAAGATGAAC-3'
Protein context (NP_071900.2, residues 495-515): AKSRARKSSD[Asn505Asp]PKRTSVKKGH

ClinVar aggregate classification (germline): Uncertain significance (1 of 4 stars; one submission).

gnomAD v4.1: 1 of 1,614,202 alleles (0.000062%); highest among the groups gnomAD compares: Non-Finnish European, 0.000085%; no homozygotes.

Submission:

Labcorp Genetics (formerly Invitae), Labcorp
Classification: Uncertain significance. Last evaluated: 2025-08-25. Review status: criteria provided, single submitter. Criteria: Invitae Variant Classification Sherloc (09022015). Collection method: clinical testing. Allele origin: germline.
Comment: This sequence change replaces asparagine, which is neutral and polar, with aspartic acid, which is acidic and polar, at codon 505 of the NSD1 protein (p.Asn505Asp). This variant is not present in population databases (gnomAD no frequency). This variant has not been reported in the literature in individuals affected with NSD1-related conditions. ClinVar contains an entry for this variant (Variation ID: 3670200). Invitae Evidence Modeling of protein sequence and biophysical properties (such as structural, functional, and spatial information, amino acid conservation, physicochemical variation, residue mobility, and thermodynamic stability) indicates that this missense variant is not expected to disrupt NSD1 protein function with a negative predictive value of 95%. In summary, the available evidence is currently insufficient to determine the role of this variant in disease. Therefore, it has been classified as a Variant of Uncertain Significance.